The following is an entry in ClinVar:

NM_000051.4(ATM):c.24_26del (p.Leu9del)

Gene: ATM (ATM serine/threonine kinase; plus strand). Cytogenetic location: 11q22.3.
Variant type: Deletion.
Coding change: c.24_26del on transcript NM_000051.4 (MANE Select); coding-DNA positions 24 to 26, 3 bases deleted (GCT; older notation c.24_26delGCT).
Protein change: p.Leu9del; deletes leucine 9.
Molecular consequence: inframe deletion.
Genome position (GRCh38, 1-based): chr11:108,227,648-108,227,650, GCT deleted; deleting any 3 consecutive bases within chr11:108,227,646-108,227,650 gives the same sequence; the c. name uses the placement nearest the transcript's 3' end. VCF-style (leftmost placement, unchanged base first): chr11-108227645-TCTG-T. GRCh37 (hg19) VCF-style: chr11-108098372-TCTG-T.
Other names: c.24_26del, p.Leu9del (NM_001351834.2, NM_001351835.2, NM_001351836.2); short protein forms L9del.
Identifiers: ClinVar variation 2033814 (VCV002033814.4), dbSNP rs2496888026, ClinGen allele CA2580082972.

ClinVar aggregate classification (germline): Uncertain significance (1 of 4 stars; one submission).

Conditions:
Ataxia-telangiectasia syndrome (AT). Also called: Ataxia-telangiectasia, complementation group D; ATAXIA-TELANGIECTASIA, COMPLEMENTATION GROUP A; ATAXIA-TELANGIECTASIA, FRESNO VARIANT; Ataxia-telangiectasia; Ataxia telangiectasia (A-T); Cerebello-oculocutaneous telangiectasia. Identifiers: Orphanet 100, MedGen C0004135, MONDO:0008840, OMIM 208900.

Submission:

Labcorp Genetics (formerly Invitae), Labcorp
Classification: Uncertain significance for Ataxia-telangiectasia syndrome. Last evaluated: 2022-10-03. Review status: criteria provided, single submitter. Criteria: Invitae Variant Classification Sherloc (09022015). Collection method: clinical testing. Allele origin: germline.
Comment: This variant has not been reported in the literature in individuals affected with ATM-related conditions. In summary, the available evidence is currently insufficient to determine the role of this variant in disease. Therefore, it has been classified as a Variant of Uncertain Significance. Experimental studies and prediction algorithms are not available or were not evaluated, and the functional significance of this variant is currently unknown. This variant is not present in population databases (gnomAD no frequency). This variant, c.24_26del, results in the deletion of 1 amino acid(s) of the ATM protein (p.Leu9del), but otherwise preserves the integrity of the reading frame.